The following is an entry in ClinVar:

NM_000038.6(APC):c.6448C>G (p.Leu2150Val)

Gene: APC (APC regulator of Wnt signaling pathway; plus strand). Cytogenetic location: 5q22.2.
Variant type: single nucleotide variant.
Coding change: c.6448C>G on transcript NM_000038.6 (MANE Select); coding-DNA position 6448, C replaced by G.
Protein change: p.Leu2150Val; replaces leucine 2150 with valine.
Molecular consequence: missense variant.
Genome position (GRCh38, 1-based): chr5:112,842,042, C>G. VCF-style: chr5-112842042-C-G. GRCh37 (hg19) VCF-style: chr5-112177739-C-G.
Other names: c.6448C>G, p.Leu2150Val (NM_001127510.3, NM_001354895.2); c.6394C>G, p.Leu2132Val (NM_001127511.3); c.6502C>G, p.Leu2168Val (NM_001354896.2); c.6478C>G, p.Leu2160Val (NM_001354897.2); c.6373C>G, p.Leu2125Val (NM_001354898.2); c.6364C>G, p.Leu2122Val (NM_001354899.2); c.6325C>G, p.Leu2109Val (NM_001354900.2); c.6271C>G, p.Leu2091Val (NM_001354901.2); and 5 more; short protein forms L2132V, L2150V, L1867V, L1990V, L2091V, L2160V, L2168V, L2024V.
Identifiers: ClinVar variation 495369 (VCV000495369.27), dbSNP rs1263640330, ClinGen allele CA16035440.

ClinVar aggregate classification (germline): Uncertain significance. Review status: criteria provided, multiple submitters, no conflicts (2 of 4 stars). 9 submissions from 9 submitters: Uncertain significance (9). Last evaluated 2025-07-01.

Conditions:
Classic or attenuated familial adenomatous polyposis. Identifiers: MedGen CN372698, MONDO:0021057.
Hereditary cancer-predisposing syndrome. Also called: Hereditary neoplastic syndrome; Tumor predisposition; Hereditary Cancer Syndrome; Neoplastic Syndromes, Hereditary. Identifiers: Orphanet 140162, MedGen C0027672, MeSH D009386, MONDO:0015356.
Familial adenomatous polyposis 1 (FAP1). Also called: FAMILIAL ADENOMATOUS POLYPOSIS 1, ATTENUATED; POLYPOSIS, ADENOMATOUS INTESTINAL. Identifiers: MedGen C2713442, MONDO:0021056, OMIM 175100. Disease mechanism: loss of function.

Allele frequency attached by ClinVar (database versions not stated): gnomAD exomes below 0.00001.
gnomAD v4.1: 3 of 1,613,354 alleles (0.00019%); highest among the groups gnomAD compares: Non-Finnish European, 0.00025%; no homozygotes.

Submissions (9):

Quest Diagnostics Nichols Institute San Juan Capistrano
Classification: Uncertain significance. Last evaluated: 2025-07-01. Review status: criteria provided, single submitter. Criteria: Quest Diagnostics criteria. Collection method: clinical testing. Allele origin: unknown.
Comment: The APC c.6448C>G (p.Leu2150Val) variant has not been reported in individuals with APC-related conditions in the published literature. The frequency of this variant in the general population (Genome Aggregation Database) is uninformative in the assessment of its pathogenicity. Analysis of this variant using bioinformatics tools for the prediction of the effect of amino acid changes on protein structure and function yielded predictions that this variant is damaging. Based on the available information, we are unable to determine the clinical significance of this variant.

Molecular Pathology, Peter Maccallum Cancer Centre
Classification: Uncertain significance for Familial adenomatous polyposis 1. Last evaluated: 2025-01-20. Review status: criteria provided, single submitter. Criteria: ACMG Guidelines, 2015. Collection method: clinical testing. Allele origin: germline. Inheritance: Autosomal dominant inheritance.

Labcorp Genetics (formerly Invitae), Labcorp
Classification: Uncertain significance for Familial adenomatous polyposis 1. Last evaluated: 2024-11-11. Review status: criteria provided, single submitter. Criteria: Invitae Variant Classification Sherloc (09022015). Collection method: clinical testing. Allele origin: germline.
Comment: This sequence change replaces leucine, which is neutral and non-polar, with valine, which is neutral and non-polar, at codon 2150 of the APC protein (p.Leu2150Val). This variant is present in population databases (no rsID available, gnomAD 0.0009%). This variant has not been reported in the literature in individuals affected with APC-related conditions. ClinVar contains an entry for this variant (Variation ID: 495369). Invitae Evidence Modeling of protein sequence and biophysical properties (such as structural, functional, and spatial information, amino acid conservation, physicochemical variation, residue mobility, and thermodynamic stability) indicates that this missense variant is not expected to disrupt APC protein function with a negative predictive value of 95%. In summary, the available evidence is currently insufficient to determine the role of this variant in disease. Therefore, it has been classified as a Variant of Uncertain Significance.

Ambry Genetics
Classification: Uncertain significance for Hereditary cancer-predisposing syndrome. Last evaluated: 2024-06-24. Review status: criteria provided, single submitter. Criteria: Ambry Variant Classification Scheme 2023. Collection method: clinical testing. Allele origin: germline.
Comment: The p.L2150V variant (also known as c.6448C>G), located in coding exon 15 of the APC gene, results from a C to G substitution at nucleotide position 6448. The leucine at codon 2150 is replaced by valine, an amino acid with highly similar properties. This amino acid position is highly conserved in available vertebrate species. In addition, in silico predictors for this gene do not accurately predict pathogenicity. Since supporting evidence is limited at this time, the clinical significance of this alteration remains unclear.

Color Diagnostics, LLC DBA Color Health
Classification: Uncertain significance for Hereditary cancer-predisposing syndrome. Last evaluated: 2024-03-06. Review status: criteria provided, single submitter. Criteria: ACMG Guidelines, 2015. Collection method: clinical testing. Allele origin: germline.
Comment: This missense variant replaces leucine with valine at codon 2150 of the APC protein. Computational prediction suggests that this variant may not impact protein structure and function (internally defined REVEL score threshold <= 0.5, PMID: 27666373). To our knowledge, functional studies have not been reported for this variant. This variant has not been reported in individuals affected with APC-related disorders in the literature. This variant has been identified in 1/250338 chromosomes in the general population by the Genome Aggregation Database (gnomAD). The available evidence is insufficient to determine the role of this variant in disease conclusively. Therefore, this variant is classified as a Variant of Uncertain Significance.

Baylor Genetics
Classification: Uncertain significance for Familial adenomatous polyposis 1. Last evaluated: 2024-01-18. Review status: criteria provided, single submitter. Criteria: ACMG Guidelines, 2015. Collection method: clinical testing. Allele origin: unknown.

All of Us Research Program, National Institutes of Health
Classification: Uncertain significance for Classic or attenuated familial adenomatous polyposis. Last evaluated: 2023-05-16. Review status: criteria provided, single submitter. Criteria: ACMG Guidelines, 2015. Collection method: clinical testing. Allele origin: germline. Inheritance: Autosomal dominant inheritance. Observed: 2 variant alleles, 2 heterozygotes.
Comment: This missense variant replaces leucine with valine at codon 2150 of the APC protein. Computational prediction suggests that this variant may not impact protein structure and function (internally defined REVEL score threshold <= 0.5, PMID: 27666373). To our knowledge, functional studies have not been reported for this variant. This variant has not been reported in individuals affected with APC-related disorders in the literature. This variant has been identified in 1/250338 chromosomes in the general population by the Genome Aggregation Database (gnomAD). The available evidence is insufficient to determine the role of this variant in disease conclusively. Therefore, this variant is classified as a Variant of Uncertain Significance.

This study involves interpretation of variants in research participants for the purpose of population health screening. Participant phenotype was not available at the time of variant classification. Additional details can be found in publication PMID: 35346344, PMCID: PMC8962531

GeneDx
Classification: Uncertain significance. Last evaluated: 2022-07-13. Review status: criteria provided, single submitter. Criteria: GeneDx Variant Classification Process June 2021. Collection method: clinical testing. Allele origin: germline. Affected: yes.
Comment: Not observed at a significant frequency in large population cohorts (gnomAD); In silico analysis supports that this missense variant does not alter protein structure/function; Has not been previously published as pathogenic or benign to our knowledge

Women's Health and Genetics/Laboratory Corporation of America, LabCorp
Classification: Uncertain significance. Last evaluated: 2016-07-01. Review status: criteria provided, single submitter. Criteria: LabCorp Variant Classification Summary - May 2015. Collection method: clinical testing. Allele origin: germline.
Comment: Variant summary: The APC c.6448C>G (p.Leu2150Val) variant involves the alteration of a conserved nucleotide. 3/4 in silico tools predict a damaging outcome for this variant (SNPs&GO not captured due to low reliability index). This variant is absent in 120530 control chromosomes. The variant of interest has not, to our knowledge, been reported in affected individuals via publications and/or reputable databases/clinical diagnostic laboratories; nor evaluated for functional impact by in vivo/vitro studies. Because of the absence of clinical information and the lack of functional studies, the variant is classified as a variant of uncertain significance (VUS) until additional information becomes available.